The following is an entry in ClinVar:

NM_001005337.3(PKP1):c.1742G>A (p.Arg581His)

Gene: PKP1 (plakophilin 1; plus strand). Cytogenetic location: 1q32.1.
Variant type: single nucleotide variant.
Coding change: c.1742G>A on transcript NM_001005337.3 (MANE Select); coding-DNA position 1742, G replaced by A.
Protein change: p.Arg581His; replaces arginine 581 with histidine.
Molecular consequence: missense variant.
Genome position (GRCh38, 1-based): chr1:201,324,489, G>A. VCF-style: chr1-201324489-G-A. GRCh37 (hg19) VCF-style: chr1-201293617-G-A.
Other names: c.1805G>A, p.Arg602His (NM_000299.4); short protein forms R602H, R581H.
Identifiers: ClinVar variation 875971 (VCV000875971.10), dbSNP rs142096411, ClinGen allele CA1324593.

ClinVar aggregate classification (germline): Conflicting classifications of pathogenicity. Review status: criteria provided, conflicting classifications (1 of 4 stars). 5 submissions from 5 submitters: Uncertain significance (1); Benign (3); Likely benign (1). Last evaluated 2025-11-19.

Conditions:
PKP1-related disorder. Also called: PKP1-related condition.
Inborn genetic diseases. Identifiers: MedGen C0950123, MeSH D030342.
Epidermolysis bullosa simplex due to plakophilin deficiency. Also called: MCGRATH SYNDROME. Identifiers: Orphanet 158668, MedGen C1858302, MONDO:0011472, OMIM 604536.

Allele frequency attached by ClinVar (database versions not stated): gnomAD exomes 0.00076; ExAC 0.00102; 1000 Genomes Project 30x 0.00281; 1000 Genomes Project 0.00300; ESP Exome Variant Server 0.00331; TOPMed 0.00331.
gnomAD v4.1: 923 of 1,614,066 alleles (0.057%); highest among the groups gnomAD compares: African/African-American, 1.1%; 9 homozygotes.

Submissions (5):

Labcorp Genetics (formerly Invitae), Labcorp
Classification: Benign. Last evaluated: 2025-11-19. Review status: criteria provided, single submitter. Criteria: Invitae Variant Classification Sherloc (09022015). Collection method: clinical testing. Allele origin: germline.

PreventionGenetics, part of Exact Sciences
Classification: Likely benign for PKP1-related condition. Last evaluated: 2025-03-26. Review status: criteria provided, single submitter. Criteria: ACMG Guidelines, 2015. Collection method: clinical testing. Allele origin: germline.
Comment: This variant is classified as likely benign based on ACMG/AMP sequence variant interpretation guidelines (Richards et al. 2015 PMID: 25741868, with internal and published modifications).

Ambry Genetics
Classification: Uncertain significance for Inborn genetic diseases. Last evaluated: 2024-02-05. Review status: criteria provided, single submitter. Criteria: Ambry Variant Classification Scheme 2023. Collection method: clinical testing. Allele origin: germline.

Illumina Laboratory Services, Illumina
Classification: Benign for Epidermolysis bullosa simplex due to plakophilin deficiency. Last evaluated: 2018-01-12. Review status: criteria provided, single submitter. Criteria: ICSL Variant Classification Criteria 13 December 2019. Collection method: clinical testing. Allele origin: germline.
Comment: This variant was observed in the ICSL laboratory as part of a predisposition screen in an ostensibly healthy population. It had not been previously curated by ICSL or reported in the Human Gene Mutation Database (HGMD: prior to June 1st, 2018), and was therefore a candidate for classification through an automated scoring system. Utilizing variant allele frequency, disease prevalence and penetrance estimates, and inheritance mode, an automated score was calculated to assess if this variant is too frequent to cause the disease. Based on the score and internal cut-off values, a variant classified as benign is not then subjected to further curation. The score for this variant resulted in a classification of benign for this disease.

Breakthrough Genomics
Classification: Benign. Review status: criteria provided, single submitter. Criteria: ACMG Guidelines, 2015. Collection method: not provided. Allele origin: germline. Inheritance: Autosomal recessive inheritance. Affected: yes.